The following is an entry in ClinVar:

ClinVar aggregate classification (germline): Uncertain significance (1 of 4 stars; one submission).

Conditions:
Birt-Hogg-Dube syndrome. Also called: Birt Hogg Dubé syndrome. Identifiers: Orphanet 122, MedGen C0346010, MONDO:0800444.

Submission:

Labcorp Genetics (formerly Invitae), Labcorp
Classification: Uncertain significance for Birt-Hogg-Dube syndrome. Last evaluated: 2022-02-17. Review status: criteria provided, single submitter. Criteria: Invitae Variant Classification Sherloc (09022015). Collection method: clinical testing. Allele origin: germline.
Comment: In summary, the available evidence is currently insufficient to determine the role of this variant in disease. Therefore, it has been classified as a Variant of Uncertain Significance. Experimental studies and prediction algorithms are not available or were not evaluated, and the functional significance of this variant is currently unknown. This variant has not been reported in the literature in individuals affected with FLCN-related conditions. This variant occurs in a non-coding region of the FLCN gene. It does not change the encoded amino acid sequence of the FLCN protein.

NC_000017.10:g.(?_17135108)_(17135196_?)dup

Gene: FLCN (folliculin; minus strand). Cytogenetic location: 17p11.2.
Variant type: Duplication.
Identifiers: ClinVar variation 2427321 (VCV002427321.6).